The following is an entry in ClinVar:

ClinVar aggregate classification (germline): Uncertain significance (1 of 4 stars; one submission).

Conditions:
Familial thoracic aortic aneurysm and aortic dissection (TAAD). Also called: Thoracic aortic aneurysms and dissections. Identifiers: Orphanet 91387, MedGen C4707243, MONDO:0019625.

Allele frequency attached by ClinVar (database versions not stated): gnomAD exomes below 0.00001.
gnomAD v4.1: 1 of 1,612,570 alleles (0.000062%); highest among the groups gnomAD compares: Non-Finnish European, 0.000085%; no homozygotes.

Submission:

Ambry Genetics
Classification: Uncertain significance for Familial thoracic aortic aneurysm and aortic dissection. Last evaluated: 2023-11-01. Review status: criteria provided, single submitter. Criteria: Ambry Variant Classification Scheme 2023. Collection method: clinical testing. Allele origin: germline.
Comment: The p.P474S variant (also known as c.1420C>T), located in coding exon 4 of the SKI gene, results from a C to T substitution at nucleotide position 1420. The proline at codon 474 is replaced by serine, an amino acid with similar properties. This amino acid position is conserved. In addition, this alteration is predicted to be tolerated by in silico analysis. Since supporting evidence is limited at this time, the clinical significance of this alteration remains unclear.

NM_003036.4(SKI):c.1420C>T (p.Pro474Ser)

Gene: SKI (SKI proto-oncogene; plus strand). Cytogenetic location: 1p36.32.
Variant type: single nucleotide variant.
Coding change: c.1420C>T on transcript NM_003036.4 (MANE Select); coding-DNA position 1420, C replaced by T.
Protein change: p.Pro474Ser; replaces proline 474 with serine.
Molecular consequence: missense variant.
Genome position (GRCh38, 1-based): chr1:2,304,048, C>T. VCF-style: chr1-2304048-C-T. GRCh37 (hg19) VCF-style: chr1-2235487-C-T.
Other names: short protein forms P474S.
Identifiers: ClinVar variation 3223056 (VCV003223056.1), dbSNP rs1057518494, ClinGen allele CA337956673.